The following is an entry in ClinVar:

NM_000744.7(CHRNA4):c.1742A>G (p.Glu581Gly)

Gene: CHRNA4 (cholinergic receptor nicotinic alpha 4 subunit; minus strand). Cytogenetic location: 20q13.33.
Variant type: single nucleotide variant.
Coding change: c.1742A>G on transcript NM_000744.7 (MANE Select); coding-DNA position 1742, A replaced by G.
Protein change: p.Glu581Gly; replaces glutamic acid 581 with glycine.
Molecular consequence: missense variant. On other transcripts: non-coding transcript variant (1).
Genome position (GRCh38, 1-based): chr20:63,349,669, T>C on the plus strand (A>G on the coding strand, the complement: CHRNA4 is on the minus strand). VCF-style: chr20-63349669-T-C. GRCh37 (hg19) VCF-style: chr20-61981021-T-C.
Other names: c.1214A>G, p.Glu405Gly (NM_001256573.2); short protein forms E405G, E581G.
Identifiers: ClinVar variation 1303856 (VCV001303856.12), dbSNP rs767165466, ClinGen allele CA9957532.

ClinVar aggregate classification (germline): Conflicting classifications of pathogenicity. Review status: criteria provided, conflicting classifications (1 of 4 stars). 4 submissions from 4 submitters: Uncertain significance (3); Likely benign (1). Last evaluated 2025-12-05.

Conditions:
Familial sleep-related hypermotor epilepsy. Also called: Autosomal Dominant Sleep-Related Hypermotor (Hyperkinetic) Epilepsy. Identifiers: Orphanet 98784, MedGen C3696898, MONDO:0000030.
Inborn genetic diseases. Identifiers: MedGen C0950123, MeSH D030342.
Autosomal dominant nocturnal frontal lobe epilepsy 1. Also called: EPILEPSY, NOCTURNAL FRONTAL LOBE, TYPE 1; CHRNA4-Related Nocturnal Frontal Lobe Epilepsy, Autosomal Dominant. Identifiers: Orphanet 98784, MedGen C1838049, MONDO:0010899, OMIM 600513.
Tobacco addiction, susceptibility to. Also called: CIGARETTE HABITUATION, SUSCEPTIBILITY TO. Identifiers: MedGen C1861063, MONDO:0100460, OMIM 188890.

Allele frequency attached by ClinVar (database versions not stated): gnomAD exomes 0.00001 and below 0.00001; ExAC 0.00001; gnomAD 0.00003 and 0.00002; TOPMed 0.00006.
gnomAD v4.1: 9 of 1,612,688 alleles (0.00056%); highest among the groups gnomAD compares: Admixed American, 0.0083%; no homozygotes.

Submissions (4):

Labcorp Genetics (formerly Invitae), Labcorp
Classification: Likely benign. Last evaluated: 2025-12-05. Review status: criteria provided, single submitter. Criteria: Invitae Variant Classification Sherloc (09022015). Collection method: clinical testing. Allele origin: germline.

Ambry Genetics
Classification: Uncertain significance for Inborn genetic diseases. Last evaluated: 2025-05-17. Review status: criteria provided, single submitter. Criteria: Ambry Variant Classification Scheme 2023. Collection method: clinical testing. Allele origin: germline.

Fulgent Genetics
Classification: Uncertain significance for Tobacco addiction, susceptibility to; Autosomal dominant nocturnal frontal lobe epilepsy 1. Last evaluated: 2024-04-30. Review status: criteria provided, single submitter. Criteria: ACMG Guidelines, 2015. Collection method: clinical testing. Allele origin: germline.

GeneDx
Classification: Uncertain significance. Last evaluated: 2022-03-29. Review status: criteria provided, single submitter. Criteria: GeneDx Variant Classification Process June 2021. Collection method: clinical testing. Allele origin: germline. Affected: yes.
Comment: In silico analysis supports that this missense variant has a deleterious effect on protein structure/function; Has not been previously published as pathogenic or benign to our knowledge